The following is an entry in ClinVar:

ClinVar aggregate classification (germline): Uncertain significance (1 of 4 stars; one submission).

Conditions:
Familial adenomatous polyposis 2. Also called: FAP type 2; COLORECTAL ADENOMATOUS POLYPOSIS, AUTOSOMAL RECESSIVE; ADENOMAS, MULTIPLE COLORECTAL, AUTOSOMAL RECESSIVE; MYH-associated polyposis; Adenomas, multiple colorectal; MUTYH-associated polyposis. Identifiers: Orphanet 220460, Orphanet 247798, MedGen C3272841, MONDO:0012041, OMIM 608456.

Submission:

Labcorp Genetics (formerly Invitae), Labcorp
Classification: Uncertain significance for Familial adenomatous polyposis 2. Last evaluated: 2024-07-02. Review status: criteria provided, single submitter. Criteria: Invitae Variant Classification Sherloc (09022015). Collection method: clinical testing. Allele origin: germline.
Comment: This sequence change replaces isoleucine, which is neutral and non-polar, with threonine, which is neutral and polar, at codon 58 of the MUTYH protein (p.Ile58Thr). This variant is not present in population databases (gnomAD no frequency). This variant has not been reported in the literature in individuals affected with MUTYH-related conditions. Algorithms developed to predict the effect of missense changes on protein structure and function output the following: SIFT: "Not Available"; PolyPhen-2: "Benign"; Align-GVGD: "Not Available". The threonine amino acid residue is found in multiple mammalian species, which suggests that this missense change does not adversely affect protein function. In summary, the available evidence is currently insufficient to determine the role of this variant in disease. Therefore, it has been classified as a Variant of Uncertain Significance.

NM_001128425.2(MUTYH):c.173T>C (p.Ile58Thr)

Gene: MUTYH (mutY DNA glycosylase; minus strand). Cytogenetic location: 1p34.1.
Variant type: single nucleotide variant.
Coding change: c.173T>C on transcript NM_001128425.2 (MANE Plus Clinical); coding-DNA position 173, T replaced by C.
Protein change: p.Ile58Thr; replaces isoleucine 58 with threonine.
Molecular consequence: missense variant. On other transcripts: intron variant (24).
Genome position (GRCh38, 1-based): chr1:45,333,588, A>G on the plus strand (T>C on the coding strand, the complement: MUTYH is on the minus strand). VCF-style: chr1-45333588-A-G. GRCh37 (hg19) VCF-style: chr1-45799260-A-G.
Other names: c.122T>C, p.Ile41Thr (NM_001293191.2, NM_001407077.1); c.158-24T>C (NM_001293190.2); c.116-27T>C (NM_001407070.1, NM_001407080.1, NM_001048173.2 and 7 more transcripts); c.116-24T>C (NM_001407071.1, NM_001407079.1, NM_001048172.2 and 2 more transcripts); c.-92-91T>C (NM_001407082.1, NM_001350651.2); c.-97-91T>C (NM_001293196.2, NM_001407091.1, NM_001293192.2); c.134-24T>C (NM_001407087.1); c.164T>C, p.Ile55Thr (NM_001407069.1, NM_012222.3); and 4 more; short protein forms I55T, I2T, I44T, I41T, I58T.
Identifiers: ClinVar variation 3658521 (VCV003658521.2).
Genomic context (GRCh38, chr1:45,333,588, plus strand): 5'-TGCAATACCACCTCTTCCGGCTGCCTGGCCAGGCCTGCTGGGGCCCCAGGACACTCAGCA[A>G]TCATCCCTGCACAGGCTGTGCATCAGGGTCTTGGGACACAGCAGCCTGTGGCAGTATGCT-3'
Protein context (NP_001121897.1, residues 48-68): PSACDACAGM[Ile58Thr]AECPGAPAGL